The following is an entry in ClinVar:

ClinVar aggregate classification (germline): Pathogenic. Review status: criteria provided, multiple submitters, no conflicts (2 of 4 stars). 2 submissions from 2 submitters: Pathogenic (2). Last evaluated 2026-01-22.

Conditions:
Multiple endocrine neoplasia, type 1 (MEN1). Also called: MEA I; MEN I; WERMER SYNDROME; Endocrine adenomatosis multiple; MEN 1. Identifiers: Orphanet 652, MedGen C0025267, MeSH D018761, MONDO:0007540, OMIM 131100.

Submissions (2):

Labcorp Genetics (formerly Invitae), Labcorp
Classification: Pathogenic for Multiple endocrine neoplasia, type 1. Last evaluated: 2026-01-22. Review status: criteria provided, single submitter. Criteria: Invitae Variant Classification Sherloc (09022015). Collection method: clinical testing. Allele origin: germline.
Comment: This sequence change creates a premature translational stop signal (p.Tyr227*) in the MEN1 gene. It is expected to result in an absent or disrupted protein product. Loss-of-function variants in MEN1 are known to be pathogenic (PMID: 12112656, 17853334). This variant is not present in population databases (gnomAD no frequency). This premature translational stop signal has been observed in individual(s) with multiple endocrine neoplasia type 1 (PMID: 12050235). ClinVar contains an entry for this variant (Variation ID: 3903159). For these reasons, this variant has been classified as Pathogenic.

GeneDx
Classification: Pathogenic. Last evaluated: 2024-12-12. Review status: criteria provided, single submitter. Criteria: GeneDx Variant Classification Process June 2021. Collection method: clinical testing. Allele origin: germline. Affected: yes.
Comment: Nonsense variant predicted to result in protein truncation or nonsense mediated decay in a gene for which loss of function is a known mechanism of disease; Not observed at significant frequency in large population cohorts (gnomAD); This variant is associated with the following publications: (PMID: 25525159, 29435419, 37604101, 12050235)

Literature cited by the submitters: PubMed 12112656 (cited by Labcorp Genetics (formerly Invitae), Labcorp); PubMed 17853334 (cited by Labcorp Genetics (formerly Invitae), Labcorp); PubMed 12050235 (cited by Labcorp Genetics (formerly Invitae), Labcorp).

NM_001370259.2(MEN1):c.681C>G (p.Tyr227Ter)

Gene: MEN1 (menin 1; minus strand). Cytogenetic location: 11q13.1.
Variant type: single nucleotide variant.
Coding change: c.681C>G on transcript NM_001370259.2 (MANE Select); coding-DNA position 681, C replaced by G.
Protein change: p.Tyr227Ter; replaces tyrosine 227 with a stop codon.
Molecular consequence: nonsense. On other transcripts: non-coding transcript variant (4).
Genome position (GRCh38, 1-based): chr11:64,807,654, G>C on the plus strand (C>G on the coding strand, the complement: MEN1 is on the minus strand). VCF-style: chr11-64807654-G-C. GRCh37 (hg19) VCF-style: chr11-64575126-G-C.
Other names: c.576C>G, p.Tyr192Ter (NM_001370263.2, NM_001407148.1, NM_001407149.1 and 2 more transcripts); c.681C>G, p.Tyr227Ter (NM_001407142.1, NM_001407143.1, NM_001407144.1 and 7 more transcripts); c.696C>G, p.Tyr232Ter (NM_001407145.1, NM_001407150.1, NM_000244.4 and 5 more transcripts); short protein forms Y192*, Y227*, Y232*.
Identifiers: ClinVar variation 3903159 (VCV003903159.2).